The following is an entry in ClinVar:

ClinVar aggregate classification (germline): Uncertain significance (1 of 4 stars; one submission).

Allele frequency attached by ClinVar (database versions not stated): gnomAD exomes 0.00002 and 0.00003; ExAC 0.00003; gnomAD 0.00005 and 0.00006; TOPMed 0.00006.
gnomAD v4.1: 35 of 1,613,932 alleles (0.0022%); highest among the groups gnomAD compares: African/African-American, 0.016%; no homozygotes.

Submission:

Labcorp Genetics (formerly Invitae), Labcorp
Classification: Uncertain significance. Last evaluated: 2022-10-23. Review status: criteria provided, single submitter. Criteria: Invitae Variant Classification Sherloc (09022015). Collection method: clinical testing. Allele origin: germline.
Comment: This sequence change replaces threonine, which is neutral and polar, with methionine, which is neutral and non-polar, at codon 730 of the PITPNM3 protein (p.Thr730Met). This variant is present in population databases (rs764198784, gnomAD 0.005%). This variant has not been reported in the literature in individuals affected with PITPNM3-related conditions. ClinVar contains an entry for this variant (Variation ID: 965721). Advanced modeling of protein sequence and biophysical properties (such as structural, functional, and spatial information, amino acid conservation, physicochemical variation, residue mobility, and thermodynamic stability) has been performed at Invitae for this missense variant, however the output from this modeling did not meet the statistical confidence thresholds required to predict the impact of this variant on PITPNM3 protein function. In summary, the available evidence is currently insufficient to determine the role of this variant in disease. Therefore, it has been classified as a Variant of Uncertain Significance.

NM_031220.4(PITPNM3):c.2189C>T (p.Thr730Met)

Gene: PITPNM3 (PITPNM family member 3; minus strand). Cytogenetic location: 17p13.2.
Variant type: single nucleotide variant.
Coding change: c.2189C>T on transcript NM_031220.4 (MANE Select); coding-DNA position 2189, C replaced by T.
Protein change: p.Thr730Met; replaces threonine 730 with methionine.
Molecular consequence: missense variant.
Genome position (GRCh38, 1-based): chr17:6,463,849, G>A on the plus strand (C>T on the coding strand, the complement: PITPNM3 is on the minus strand). VCF-style: chr17-6463849-G-A. GRCh37 (hg19) VCF-style: chr17-6367169-G-A.
Other names: c.2081C>T, p.Thr694Met (NM_001165966.2); short protein forms T730M, T694M.
Identifiers: ClinVar variation 965721 (VCV000965721.9), dbSNP rs764198784, ClinGen allele CA8329246.